The following is an entry in ClinVar:

NM_001267550.2(TTN):c.16622-3C>G

Gene: TTN (titin; minus strand). Cytogenetic location: 2q31.2.
Variant type: single nucleotide variant.
Coding change: c.16622-3C>G on transcript NM_001267550.2 (MANE Select); 3 bases into the intron before coding-DNA position 16622, C replaced by G.
Molecular consequence: intron variant.
Genome position (GRCh38, 1-based): chr2:178,732,350, G>C on the plus strand (C>G on the coding strand, the complement: TTN is on the minus strand). VCF-style: chr2-178732350-G-C. GRCh37 (hg19) VCF-style: chr2-179597077-G-C.
Other names: c.13282+5732C>G (NM_003319.4); c.13858+5732C>G (NM_133437.4); c.13657+5732C>G (NM_133432.3); c.12890-3C>G (NM_133378.4); c.15671-3C>G (NM_001256850.1).
Identifiers: ClinVar variation 1709956 (VCV001709956.2), dbSNP rs2530121439, ClinGen allele CA2580065284.

ClinVar aggregate classification (germline): Uncertain significance (1 of 4 stars; one submission).

Conditions:
Early-onset myopathy with fatal cardiomyopathy (CMYO5). Also called: Salih Myopathy; CONGENITAL MYOPATHY 5 WITH CARDIOMYOPATHY. Identifiers: Orphanet 289377, MedGen C2673677, MONDO:0012714, OMIM 611705. Disease mechanism: loss of function.

Submission:

MGZ Medical Genetics Center
Classification: Uncertain significance for Early-onset myopathy with fatal cardiomyopathy. Last evaluated: 2021-08-09. Review status: criteria provided, single submitter. Criteria: ACMG Guidelines, 2015. Collection method: clinical testing. Allele origin: germline. Affected: yes. Observed: 1 variant allele.
Comment: ACMG criteria applied: PM2_SUP, PP3